The following is an entry in ClinVar:

NM_078480.3(PUF60):c.11C>G (p.Ala4Gly)

Genes: PUF60 (poly(U) binding splicing factor 60; minus strand), LOC126860549 (MED14-independent group 3 enhancer GRCh37_chr8:144911577-144912776; plus strand). Cytogenetic location: 8q24.3.
Variant type: single nucleotide variant.
Coding change: c.11C>G on transcript NM_078480.3 (MANE Select); coding-DNA position 11, C replaced by G.
Protein change: p.Ala4Gly; replaces alanine 4 with glycine.
Molecular consequence: missense variant.
Genome position (GRCh38, 1-based): chr8:143,829,293, G>C on the plus strand (C>G on the coding strand, the complement: PUF60 is on the minus strand). VCF-style: chr8-143829293-G-C. GRCh37 (hg19) VCF-style: chr8-144911463-G-C.
Other names: c.11C>G, p.Ala4Gly (NM_001271096.2, NM_001271097.2, NM_001271098.2 and 2 more transcripts); c.11C>G (NM_078480.1, NM_078480.2); short protein forms A4G.
Identifiers: ClinVar variation 2435305 (VCV002435305.9), dbSNP rs200179503, ClinGen allele CA4920895.
Genomic context (GRCh38, chr8:143,829,293, plus strand): 5'-GCCCCGCAAGCCGAGGGCCGCCCGCGCTCATGGGGGGGCTCACTTACGAGAGCTATGGTC[G>C]CCGTCGCCATCTTGCGTCCGTCGCGGCCTCCGCGCGCGCCTCCCACTCTTGCTCCTTCCG-3'
Protein context (NP_510965.1, residues 1-14): MAT[Ala4Gly]TIALQVNGQQ

ClinVar aggregate classification (germline): Conflicting classifications of pathogenicity. Review status: criteria provided, conflicting classifications (1 of 4 stars). 4 submissions from 4 submitters: Uncertain significance (1); Benign (1); Likely benign (1). 1 of the submissions does not count toward it. Last evaluated 2026-08-01.

Conditions:
PUF60-related disorder. Also called: PUF60-related condition.
Inborn genetic diseases. Identifiers: MedGen C0950123, MeSH D030342.
8q24.3 microdeletion syndrome. Also called: CHROMOSOME 8q24.3 DELETION SYNDROME; Verheij syndrome. Identifiers: Orphanet 508488, MedGen C3810023, MONDO:0014263, OMIM 615583.

Allele frequency attached by ClinVar (database versions not stated): 1000 Genomes Project 0.00020; gnomAD exomes 0.00022; gnomAD 0.00027; 1000 Genomes Project 30x 0.00062; ExAC 0.00146.
gnomAD v4.1: 304 of 1,267,192 alleles (0.024%); highest among the groups gnomAD compares: Middle Eastern, 0.37%; 2 homozygotes.

Submissions (4):

CeGaT Center for Human Genetics Tuebingen
Classification: Benign. Last evaluated: 2026-08-01. Review status: criteria provided, single submitter. Criteria: CeGaT Center For Human Genetics Tuebingen Variant Classification Criteria Version 2. Collection method: clinical testing. Allele origin: germline. Affected: yes. Observed: 1 variant allele.
Comment: PUF60: BS1, BS2

Ambry Genetics
Classification: Likely benign for Inborn genetic diseases. Last evaluated: 2023-06-07. Review status: criteria provided, single submitter. Criteria: Ambry Variant Classification Scheme 2023. Collection method: clinical testing. Allele origin: germline.

Revvity Omics, Revvity
Classification: Uncertain significance for 8q24.3 microdeletion syndrome. Last evaluated: 2019-12-24. Review status: criteria provided, single submitter. Criteria: ACMG Guidelines, 2015. Collection method: clinical testing. Allele origin: germline.

PreventionGenetics, part of Exact Sciences
Classification: Likely benign for PUF60-related condition. Last evaluated: 2022-11-05. Review status: no assertion criteria provided. Collection method: clinical testing. Allele origin: germline. Not counted in ClinVar's aggregate classification.
Comment: This variant is classified as likely benign based on ACMG/AMP sequence variant interpretation guidelines (Richards et al. 2015 PMID: 25741868, with internal and published modifications).